The following is an entry in ClinVar:

ClinVar aggregate classification (germline): Conflicting classifications of pathogenicity. Review status: criteria provided, conflicting classifications (1 of 4 stars). 3 submissions from 3 submitters: Uncertain significance (1); Likely benign (1). 1 of the submissions does not count toward it. Last evaluated 2025-12-18.

Conditions:
Hereditary cancer-predisposing syndrome. Also called: Hereditary neoplastic syndrome; Neoplastic Syndromes, Hereditary; Tumor predisposition; Hereditary Cancer Syndrome. Identifiers: Orphanet 140162, MedGen C0027672, MeSH D009386, MONDO:0015356.
RET-related disorder. Also called: RET-related condition; RET-related disease; RET-related disorders.
Multiple endocrine neoplasia, type 2 (MEN2). Identifiers: Orphanet 653, MedGen C4048306, MONDO:0019003. Disease mechanism: gain of function.

Allele frequency attached by ClinVar (database versions not stated): gnomAD 0.00001; 1000 Genomes Project 30x 0.00031.
gnomAD v4.1: 1 of 1,613,044 alleles (0.000062%); highest among the groups gnomAD compares: Non-Finnish European, 0.000085%; no homozygotes.

Submissions (3):

Ambry Genetics
Classification: Likely benign for Hereditary cancer-predisposing syndrome. Last evaluated: 2025-12-18. Review status: criteria provided, single submitter. Criteria: Ambry Variant Classification Scheme 2023. Collection method: clinical testing. Allele origin: germline.

Labcorp Genetics (formerly Invitae), Labcorp
Classification: Uncertain significance for Multiple endocrine neoplasia, type 2. Last evaluated: 2022-06-30. Review status: criteria provided, single submitter. Criteria: Invitae Variant Classification Sherloc (09022015). Collection method: clinical testing. Allele origin: germline.
Comment: In summary, the available evidence is currently insufficient to determine the role of this variant in disease. Therefore, it has been classified as a Variant of Uncertain Significance. Algorithms developed to predict the effect of missense changes on protein structure and function are either unavailable or do not agree on the potential impact of this missense change (SIFT: "Tolerated"; PolyPhen-2: "Probably Damaging"; Align-GVGD: "Class C0"). This variant has not been reported in the literature in individuals affected with RET-related conditions. This variant is not present in population databases (gnomAD no frequency). This sequence change replaces asparagine, which is neutral and polar, with serine, which is neutral and polar, at codon 359 of the RET protein (p.Asn359Ser).

PreventionGenetics, part of Exact Sciences
Classification: Uncertain significance for RET-related condition. Last evaluated: 2024-02-21. Review status: no assertion criteria provided. Collection method: clinical testing. Allele origin: germline. Not counted in ClinVar's aggregate classification.
Comment: The RET c.1076A>G variant is predicted to result in the amino acid substitution p.Asn359Ser. To our knowledge, this variant has not been reported in the literature or in a large population database, indicating this variant is rare. This variant is not present in ClinVar. At this time, the clinical significance of this variant is uncertain due to the absence of conclusive functional and genetic evidence.

NM_020975.6(RET):c.1076A>G (p.Asn359Ser)

Gene: RET (ret proto-oncogene; plus strand). Cytogenetic location: 10q11.21.
Variant type: single nucleotide variant.
Coding change: c.1076A>G on transcript NM_020975.6 (MANE Select); coding-DNA position 1076, A replaced by G.
Protein change: p.Asn359Ser; replaces asparagine 359 with serine.
Molecular consequence: missense variant.
Genome position (GRCh38, 1-based): chr10:43,109,043, A>G. VCF-style: chr10-43109043-A-G. GRCh37 (hg19) VCF-style: chr10-43604491-A-G.
Other names: c.1076A>G, p.Asn359Ser (NM_000323.2, NM_001406743.1, NM_001406744.1 and 6 more transcripts); c.314A>G, p.Asn105Ser (NM_001355216.2); c.947A>G, p.Asn316Ser (NM_001406761.1, NM_001406762.1, NM_001406764.1 and 1 more transcripts); c.788A>G, p.Asn263Ser (NM_001406766.1, NM_001406767.1, NM_001406770.1); c.638A>G, p.Asn213Ser (NM_001406771.1, NM_001406773.1); c.350A>G, p.Asn117Ser (NM_001406775.1, NM_001406776.1, NM_001406777.1 and 1 more transcripts); c.86A>G, p.Asn29Ser (NM_001406784.1); short protein forms N105S, N29S, N359S, N117S, N263S, N316S, N213S.
Identifiers: ClinVar variation 2171532 (VCV002171532.7), dbSNP rs1204350955, ClinGen allele CA376547229.